The following is an entry in ClinVar:

ClinVar aggregate classification (germline): Pathogenic (3 of 4 stars; one submission).

Conditions:
Breast-ovarian cancer, familial, susceptibility to, 1 (BROVCA1). Also called: BRCA1 Hereditary Breast and Ovarian Cancer; OVARIAN CANCER, SUSCEPTIBILITY TO. Identifiers: Orphanet 145, MedGen C2676676, MONDO:0011450, OMIM 604370. Disease mechanism: loss of function.

Submission:

Evidence-based Network for the Interpretation of Germline Mutant Alleles (ENIGMA)
Classification: Pathogenic for Breast-ovarian cancer, familial, susceptibility to, 1. Last evaluated: 2017-12-15. Review status: reviewed by expert panel. Criteria: ENIGMA BRCA1/2 Classification Criteria (2017-06-29). Collection method: curation. Allele origin: germline. Study: ENIGMA.
Comment: Variant allele predicted to encode a truncated non-functional protein.

NM_007294.4(BRCA1):c.2904_2905insTC (p.Asn969fs)

Gene: BRCA1 (BRCA1 DNA repair associated; minus strand). Cytogenetic location: 17q21.31.
Variant type: Insertion.
Coding change: c.2904_2905insTC on transcript NM_007294.4 (MANE Select); coding-DNA positions 2904 to 2905, TC inserted.
Protein change: p.Asn969fs; shifts the reading frame from asparagine 969.
Molecular consequence: frameshift variant. On other transcripts: intron variant (137).
Genome position: GRCh38 VCF-style: chr17-43092626-T-TGA. GRCh37 (hg19) VCF-style: chr17-41244643-T-TGA.
Other names: c.2568_2569insTC, p.Asn857fs (NM_001407955.1, NM_001407956.1, NM_001407958.1 and 1 more transcripts); c.2571_2572insTC, p.Asn858fs (NM_001407957.1, NM_001407946.1, NM_001407947.1 and 6 more transcripts); c.2523_2524insTC, p.Asn842fs (NM_001407959.1, NM_001407960.1, NM_001407963.1); c.2520_2521insTC, p.Asn841fs (NM_001407962.1); c.2760_2761insTC, p.Asn921fs (NM_001407964.1, NM_001407740.1, NM_001407741.1 and 20 more transcripts); c.2400_2401insTC, p.Asn801fs (NM_001407965.1); c.2016_2017insTC, p.Asn673fs (NM_001407966.1, NM_001407967.1); c.2763_2764insTC, p.Asn922fs (NM_007297.4, NM_001407692.1, NM_001407694.1 and 29 more transcripts); and 41 more; short protein forms N969fs, N922fs, N841fs, N842fs, N880fs, N881fs, N898fs, N942fs.
Identifiers: ClinVar variation 548247 (VCV000548247.2), dbSNP rs1555588752, ClinGen allele CA658823984.
Genomic context (GRCh38, chr17:43,092,626, plus strand): 5'-ATGACTTGATGGGAAAAAGTGGTGGTATACGATATGGGTTTTGTAAAAGTCCATGTTTAT[T>TGA]TGGAGTAATGAGTCCAGTTTCGTTGCCTCTGAACTGAGATGATAGACAAAACCTAGAGCC-3'